The following is an entry in ClinVar:

NM_201384.3(PLEC):c.7504_7507del (p.Leu2502fs)

Gene: PLEC (plectin; minus strand). Cytogenetic location: 8q24.3.
Variant type: Deletion.
Coding change: c.7504_7507del on transcript NM_201384.3 (MANE Select); coding-DNA positions 7504 to 7507, 4 bases deleted (CTGC; older notation c.7504_7507delCTGC).
Protein change: p.Leu2502fs; shifts the reading frame from leucine 2502.
Molecular consequence: frameshift variant.
Genome position (GRCh38, 1-based): chr8:143,922,314-143,922,317, GCAG deleted on the plus strand (CTGC on the coding strand, the reverse complement: PLEC is on the minus strand); deleting any 4 consecutive bases within chr8:143,922,314-143,922,319 gives the same sequence; the c. name uses the placement nearest the transcript's 3' end. VCF-style (leftmost placement, unchanged base first): chr8-143922313-AGCAG-A. GRCh37 (hg19) VCF-style: chr8-144996481-AGCAG-A.
Other names: c.7585_7588del, p.Leu2529fs (NM_000445.5); c.7462_7465del, p.Leu2488fs (NM_201378.4); c.7438_7441del, p.Leu2480fs (NM_201379.3); c.7915_7918del, p.Leu2639fs (NM_201380.4); c.7408_7411del, p.Leu2470fs (NM_201381.3); c.7504_7507del, p.Leu2502fs (NM_201382.4); c.7516_7519del, p.Leu2506fs (NM_201383.3); short protein forms L2502fs, L2506fs, L2639fs, L2470fs, L2529fs, L2480fs, L2488fs.
Identifiers: ClinVar variation 538947 (VCV000538947.8), dbSNP rs1554689309, ClinGen allele CA658797163.

ClinVar aggregate classification (germline): Pathogenic (1 of 4 stars; one submission).

Conditions:
Epidermolysis bullosa simplex with nail dystrophy (EBS5D). Identifiers: MedGen C4225309, MONDO:0014661, OMIM 616487.
Epidermolysis bullosa simplex 5B, with muscular dystrophy (EBS5B). Also called: EPIDERMOLYSIS BULLOSA SIMPLEX AND LIMB-GIRDLE MUSCULAR DYSTROPHY; Epidermolysis bullosa simplex with muscular dystrophy. Identifiers: Orphanet 257, MedGen C2931072, MONDO:0009181, OMIM 226670.
Epidermolysis bullosa simplex, Ogna type (EBS5A). Also called: Pidermolysis bullosa simplex 5A, Ogna type; EPIDERMOLYSIS BULLOSA SIMPLEX 5A, OGNA TYPE. Identifiers: Orphanet 79401, MedGen C0432317, MONDO:0007555, OMIM 131950.
Autosomal recessive limb-girdle muscular dystrophy type 2Q (LGMDR17). Also called: MUSCULAR DYSTROPHY, LIMB-GIRDLE, AUTOSOMAL RECESSIVE 17. Identifiers: Orphanet 254361, MedGen C3150989, MONDO:0013390, OMIM 613723.
Epidermolysis bullosa simplex 5C, with pyloric atresia (EBS5C). Also called: PLEC-Related Epidermolysis Bullosa with Pyloric Atresia; Epidermolysis bullosa simplex with pyloric atresia; PLEC1-Related Epidermolysis Bullosa with Pyloric Atresia. Identifiers: Orphanet 158684, MedGen C2677349, MONDO:0012807, OMIM 612138.

Submission:

Labcorp Genetics (formerly Invitae), Labcorp
Classification: Pathogenic for Autosomal recessive limb-girdle muscular dystrophy type 2Q; Epidermolysis bullosa simplex, Ogna type; Epidermolysis bullosa simplex with nail dystrophy; Epidermolysis bullosa simplex 5C, with pyloric atresia; Epidermolysis bullosa simplex 5B, with muscular dystrophy. Last evaluated: 2019-06-07. Review status: criteria provided, single submitter. Criteria: Invitae Variant Classification Sherloc (09022015). Collection method: clinical testing. Allele origin: germline.
Comment: This sequence change results in a premature translational stop signal in the PLEC gene (p.Leu2529Tyrfs*162). While this is not anticipated to result in nonsense mediated decay, it is expected to disrupt the last 2046 amino acids of the PLEC protein. For these reasons, this variant has been classified as Pathogenic. This truncation would remove the intermediate filament-binding domain from the resulting plectin protein. This particular domain is important for the proper interaction between plectin and other cytoskeleton proteins (PMID: 8830774, 19945614). This variant has not been reported in the literature in individuals with PLEC-related disease. However, a different truncation (p.Arg3029*) that lies downstream of this variant has been determined to be likely pathogenic (PMID: 15654962). This suggests that deletion of this region of the PLEC protein is causative of disease. This variant is not present in population databases (ExAC no frequency).

Literature cited by the submitters: PubMed 8830774; PubMed 19945614; PubMed 15654962.